The following is an entry in ClinVar:

NM_001365999.1(SZT2):c.10000T>G (p.Tyr3334Asp)

Genes: SZT2 (SZT2 subunit of KICSTOR complex; plus strand), SZT2-AS1 (SZT2 antisense RNA 1; minus strand). Cytogenetic location: 1p34.2.
Variant type: single nucleotide variant.
Coding change: c.10000T>G on transcript NM_001365999.1 (MANE Select); coding-DNA position 10000, T replaced by G.
Protein change: p.Tyr3334Asp; replaces tyrosine 3334 with aspartic acid.
Molecular consequence: missense variant. On other transcripts: non-coding transcript variant (1).
Genome position (GRCh38, 1-based): chr1:43,448,642, T>G. VCF-style: chr1-43448642-T-G. GRCh37 (hg19) VCF-style: chr1-43914313-T-G.
Other names: c.9829T>G, p.Tyr3277Asp (NM_015284.4); short protein forms Y3277D, Y3334D.
Identifiers: ClinVar variation 1314717 (VCV001314717.2), dbSNP rs1570745461, ClinGen allele CA340046334.

ClinVar aggregate classification (germline): Uncertain significance (1 of 4 stars; one submission).

Submission:

GeneDx
Classification: Uncertain significance. Last evaluated: 2021-04-20. Review status: criteria provided, single submitter. Criteria: GeneDx Variant Classification Process June 2021. Collection method: clinical testing. Allele origin: germline. Affected: yes.
Comment: Not observed in large population cohorts (Lek et al., 2016); In silico analysis supports that this missense variant has a deleterious effect on protein structure/function; Has not been previously published as pathogenic or benign to our knowledge